The following is an entry in ClinVar:

ClinVar aggregate classification (germline): Uncertain significance. Review status: criteria provided, multiple submitters, no conflicts (2 of 4 stars). 2 submissions from 2 submitters: Uncertain significance (2). Last evaluated 2025-11-19.

Allele frequency attached by ClinVar (database versions not stated): TOPMed below 0.00001; ExAC 0.00002; gnomAD 0.00002.

Submissions (2):

Ambry Genetics
Classification: Uncertain significance. Last evaluated: 2025-11-19. Review status: criteria provided, single submitter. Criteria: Ambry Variant Classification Scheme 2023. Collection method: clinical testing. Allele origin: germline.

Labcorp Genetics (formerly Invitae), Labcorp
Classification: Uncertain significance. Last evaluated: 2025-06-12. Review status: criteria provided, single submitter. Criteria: Invitae Variant Classification Sherloc (09022015). Collection method: clinical testing. Allele origin: germline.
Comment: This sequence change replaces leucine, which is neutral and non-polar, with valine, which is neutral and non-polar, at codon 304 of the CEP89 protein (p.Leu304Val). This variant is present in population databases (rs749967534, gnomAD 0.01%). This variant has not been reported in the literature in individuals affected with CEP89-related conditions. ClinVar contains an entry for this variant (Variation ID: 2874978). An algorithm developed to predict the effect of missense changes on protein structure and function (PolyPhen-2) suggests that this variant is likely to be disruptive. In summary, the available evidence is currently insufficient to determine the role of this variant in disease. Therefore, it has been classified as a Variant of Uncertain Significance.

NM_032816.5(CEP89):c.910C>G (p.Leu304Val)

Gene: CEP89 (centrosomal protein 89; minus strand). Cytogenetic location: 19q13.11.
Variant type: single nucleotide variant.
Coding change: c.910C>G on transcript NM_032816.5 (MANE Select); coding-DNA position 910, C replaced by G.
Protein change: p.Leu304Val; replaces leucine 304 with valine.
Molecular consequence: missense variant.
Genome position (GRCh38, 1-based): chr19:32,931,548, G>C on the plus strand (C>G on the coding strand, the complement: CEP89 is on the minus strand). VCF-style: chr19-32931548-G-C. GRCh37 (hg19) VCF-style: chr19-33422454-G-C.
Other names: c.910C>G (NM_032816.3); short protein forms L304V.
Identifiers: ClinVar variation 2874978 (VCV002874978.4), dbSNP rs749967534, ClinGen allele CA9359479.
Genomic context (GRCh38, chr19:32,931,548, plus strand): 5'-GATGGACAGTCATTTTCAATCCATCATTTTCATCCACCAGTTCTTGAGCTTGTTTTCGCA[G>C]ATAAAGTAATTCAGGTGCAGCAACTAGGGAAAAAAATTTAATATTATACTATAAGAAATA-3'
Protein context (NP_116205.3, residues 294-314): QEVAAPELLY[Leu304Val]RKQAQELVDE